The following is an entry in ClinVar:

NM_001127222.2(CACNA1A):c.4605T>G (p.Asp1535Glu)

Gene: CACNA1A (calcium voltage-gated channel subunit alpha1 A; minus strand). Cytogenetic location: 19p13.13.
Variant type: single nucleotide variant.
Coding change: c.4605T>G on transcript NM_001127222.2 (MANE Select); coding-DNA position 4605, T replaced by G.
Protein change: p.Asp1535Glu; replaces aspartic acid 1535 with glutamic acid.
Molecular consequence: missense variant.
Genome position (GRCh38, 1-based): chr19:13,255,245, A>C on the plus strand (T>G on the coding strand, the complement: CACNA1A is on the minus strand). VCF-style: chr19-13255245-A-C. GRCh37 (hg19) VCF-style: chr19-13366059-A-C.
Other names: c.4617T>G, p.Asp1539Glu (NM_000068.4, NM_023035.3); c.4608T>G, p.Asp1536Glu (NM_001127221.2, NM_001174080.2); short protein forms D1535E, D1539E, D1536E.
Identifiers: ClinVar variation 2954006 (VCV002954006.3), dbSNP rs766436059, ClinGen allele CA404338656.

ClinVar aggregate classification (germline): Uncertain significance (1 of 4 stars; one submission).

Conditions:
Episodic ataxia type 2 (EA2). Also called: CEREBELLAR ATAXIA, PAROXYSMAL, ACETAZOLAMIDE-RESPONSIVE; CEREBELLOPATHY, HEREDITARY PAROXYSMAL; EPISODIC ATAXIA, NYSTAGMUS-ASSOCIATED; ACETAZOLAMIDE-RESPONSIVE HEREDITARY PAROXYSMAL CEREBELLAR ATAXIA; ATAXIA, EPISODIC, WITH NYSTAGMUS; ATAXIA, FAMILIAL PAROXYSMAL. Identifiers: Orphanet 97, MedGen C1720416, MONDO:0007163, OMIM 108500.
Developmental and epileptic encephalopathy, 42 (DEE42A). Also called: Epileptic encephalopathy, early infantile, 42; DEVELOPMENTAL AND EPILEPTIC ENCEPHALOPATHY 42A; EPILEPTIC ENCEPHALOPATHY, EARLY INFANTILE, 42A. Identifiers: MedGen C4310716, MONDO:0014917, OMIM 617106.

Submission:

Labcorp Genetics (formerly Invitae), Labcorp
Classification: Uncertain significance for Developmental and epileptic encephalopathy, 42; Episodic ataxia type 2. Last evaluated: 2023-11-18. Review status: criteria provided, single submitter. Criteria: Invitae Variant Classification Sherloc (09022015). Collection method: clinical testing. Allele origin: germline.
Comment: This sequence change replaces aspartic acid, which is acidic and polar, with glutamic acid, which is acidic and polar, at codon 1536 of the CACNA1A protein (p.Asp1536Glu). This variant is not present in population databases (gnomAD no frequency). This variant has not been reported in the literature in individuals affected with CACNA1A-related conditions. Advanced modeling of protein sequence and biophysical properties (such as structural, functional, and spatial information, amino acid conservation, physicochemical variation, residue mobility, and thermodynamic stability) performed at Invitae indicates that this missense variant is not expected to disrupt CACNA1A protein function with a negative predictive value of 95%. In summary, the available evidence is currently insufficient to determine the role of this variant in disease. Therefore, it has been classified as a Variant of Uncertain Significance.